The following is an entry in ClinVar:

ClinVar aggregate classification (germline): Benign/Likely benign. Review status: criteria provided, multiple submitters, no conflicts (2 of 4 stars). 8 submissions from 8 submitters: Benign (2); Likely benign (6). Last evaluated 2025-09-10.

Conditions:
Hereditary nonpolyposis colorectal neoplasms. Identifiers: MedGen C0009405, MeSH D003123.
Hereditary cancer-predisposing syndrome. Also called: Neoplastic Syndromes, Hereditary; Hereditary Cancer Syndrome; Tumor predisposition; Hereditary neoplastic syndrome. Identifiers: Orphanet 140162, MedGen C0027672, MeSH D009386, MONDO:0015356.
Lynch syndrome. Identifiers: Orphanet 144, MedGen C4552100, MONDO:0005835. Disease mechanism: loss of function.
Lynch syndrome 4 (LYNCH4). Also called: Hereditary non-polyposis colorectal cancer, type 4; Colorectal cancer, hereditary nonpolyposis, type 4. Identifiers: Orphanet 144, MedGen C1838333, MONDO:0013699, OMIM 614337. Disease mechanism: loss of function.
Breast and/or ovarian cancer. Identifiers: MedGen CN221562.

Allele frequency attached by ClinVar (database versions not stated): gnomAD exomes below 0.00001 and 0.00001.
gnomAD v4.1: 9 of 1,610,802 alleles (0.00056%); highest among the groups gnomAD compares: Non-Finnish European, 0.00076%; no homozygotes.

Submissions (8):

Labcorp Genetics (formerly Invitae), Labcorp
Classification: Likely benign for Hereditary nonpolyposis colorectal neoplasms. Last evaluated: 2025-09-10. Review status: criteria provided, single submitter. Criteria: Invitae Variant Classification Sherloc (09022015). Collection method: clinical testing. Allele origin: germline.

Myriad Genetics, Inc.
Classification: Benign for Lynch syndrome 4. Last evaluated: 2025-01-23. Review status: criteria provided, single submitter. Criteria: Myriad Autosomal Dominant, Autosomal Recessive and X-Linked Classification Criteria (2023). Collection method: clinical testing. Allele origin: unknown.
Comment: This variant is considered benign. This variant is a silent/synonymous amino acid change and it is not expected to impact splicing.

Blueprint Genetics
Classification: Likely benign. Last evaluated: 2024-11-21. Review status: criteria provided, single submitter. Criteria: ACMG Guidelines, 2015. Collection method: clinical testing. Allele origin: germline.

All of Us Research Program, National Institutes of Health
Classification: Likely benign for Lynch syndrome. Last evaluated: 2023-06-08. Review status: criteria provided, single submitter. Criteria: ACMG Guidelines, 2015. Collection method: clinical testing. Allele origin: germline. Inheritance: Autosomal dominant inheritance. Observed: 1 variant allele, 1 heterozygote.
Comment: This study involves interpretation of variants in research participants for the purpose of population health screening. Participant phenotype was not available at the time of variant classification. Additional details can be found in publication PMID: 35346344, PMCID: PMC8962531

CHEO Genetics Diagnostic Laboratory, Children's Hospital of Eastern Ontario
Classification: Likely benign for Breast and/or ovarian cancer. Last evaluated: 2020-01-08. Review status: criteria provided, single submitter. Criteria: ACMG Guidelines, 2015. Collection method: clinical testing. Allele origin: germline.

Color Diagnostics, LLC DBA Color Health
Classification: Likely benign for Hereditary cancer-predisposing syndrome. Last evaluated: 2018-10-19. Review status: criteria provided, single submitter. Criteria: ACMG Guidelines, 2015. Collection method: clinical testing. Allele origin: germline.

Ambry Genetics
Classification: Likely benign for Hereditary cancer-predisposing syndrome. Last evaluated: 2016-10-06. Review status: criteria provided, single submitter. Criteria: Ambry Variant Classification Scheme 2023. Collection method: clinical testing. Allele origin: germline.

GeneDx
Classification: Benign. Last evaluated: 2015-03-03. Review status: criteria provided, single submitter. Criteria: GeneDx Variant Classification Process June 2021. Collection method: clinical testing. Allele origin: germline. Affected: yes.

NM_000535.7(PMS2):c.97C>T (p.Leu33=)

Gene: PMS2 (PMS1 homolog 2, mismatch repair system component; minus strand). Cytogenetic location: 7p22.1.
Variant type: single nucleotide variant.
Coding change: c.97C>T on transcript NM_000535.7 (MANE Select); coding-DNA position 97, C replaced by T.
Protein change: p.Leu33=; no amino-acid change (leucine 33 retained).
Molecular consequence: synonymous variant. On other transcripts: 5 prime UTR variant (8), non-coding transcript variant (1), intron variant (3).
Genome position (GRCh38, 1-based): chr7:6,005,958, G>A on the plus strand (C>T on the coding strand, the complement: PMS2 is on the minus strand). VCF-style: chr7-6005958-G-A. GRCh37 (hg19) VCF-style: chr7-6045589-G-A.
Other names: c.-309C>T (NM_001322003.2, NM_001322005.2, NM_001322009.2 and 1 more transcripts); c.97C>T, p.Leu33= (NM_001322006.2, NM_001322014.2); c.-119C>T (NM_001322007.2); c.-788C>T (NM_001322011.2, NM_001322012.2); c.-388C>T (NM_001322015.2); c.-52-1900C>T (NM_001322008.2); c.-242-1900C>T (NM_001322010.2, NM_001322004.2).
Identifiers: ClinVar variation 237936 (VCV000237936.23), dbSNP rs878854061, ClinGen allele CA10582530.